The following is an entry in ClinVar:

NM_052876.4(NACC1):c.83T>C (p.Leu28Pro)

Gene: NACC1 (nucleus accumbens associated 1; plus strand). Cytogenetic location: 19p13.13.
Variant type: single nucleotide variant.
Coding change: c.83T>C on transcript NM_052876.4 (MANE Select); coding-DNA position 83, T replaced by C.
Protein change: p.Leu28Pro; replaces leucine 28 with proline.
Molecular consequence: missense variant.
Genome position (GRCh38, 1-based): chr19:13,135,290, T>C. VCF-style: chr19-13135290-T-C. GRCh37 (hg19) VCF-style: chr19-13246104-T-C.
Other names: short protein forms L28P.
Identifiers: ClinVar variation 3906833 (VCV003906833.1).

ClinVar aggregate classification (germline): Uncertain significance (1 of 4 stars; one submission).

Submission:

GeneDx
Classification: Uncertain significance. Last evaluated: 2024-12-18. Review status: criteria provided, single submitter. Criteria: GeneDx Variant Classification Process June 2021. Collection method: clinical testing. Allele origin: germline. Affected: yes.
Comment: Not observed at significant frequency in large population cohorts (gnomAD); In silico analysis indicates that this missense variant does not alter protein structure/function; Has not been previously published as pathogenic or benign to our knowledge